The following is an entry in ClinVar:

NM_016553.5(NUP62):c.1235A>G (p.Glu412Gly)

Genes: IL4I1 (interleukin 4 induced 1; minus strand), NUP62 (nucleoporin 62; minus strand). Cytogenetic location: 19q13.33.
Variant type: single nucleotide variant.
Coding change: c.1235A>G on transcript NM_016553.5 (MANE Select); coding-DNA position 1235, A replaced by G.
Protein change: p.Glu412Gly; replaces glutamic acid 412 with glycine.
Molecular consequence: missense variant. On other transcripts: intron variant (3).
Genome position (GRCh38, 1-based): chr19:49,908,573, T>C on the plus strand (A>G on the coding strand, the complement: NUP62 is on the minus strand). VCF-style: chr19-49908573-T-C. GRCh37 (hg19) VCF-style: chr19-50411830-T-C.
Other names: c.1235A>G, p.Glu412Gly (NM_001193357.2, NM_012346.5, NM_153718.4 and 1 more transcripts); c.-227-4252A>G (NM_001258017.2, NM_172374.3); c.-285-4252A>G (NM_001258018.2); short protein forms E412G.
Identifiers: ClinVar variation 2712156 (VCV002712156.3), dbSNP rs775526160, ClinGen allele CA9588931.
Genomic context (GRCh38, chr19:49,908,573, plus strand): 5'-TTCTCACGCTCCTCATCCGCGTGCTGCAGGTAGATGGTCCCGCTCTGCTCCTTGACCAAC[T>C]CCTCCAGTGGGCTCAGCAGGTCTTCCAGCTCCTTCTGCTGGGACAGGATGAAGTCGAGCT-3'
Protein context (NP_057637.2, residues 402-422): ELEDLLSPLE[Glu412Gly]LVKEQSGTIY

ClinVar aggregate classification (germline): Uncertain significance. Review status: criteria provided, multiple submitters, no conflicts (2 of 4 stars). 2 submissions from 2 submitters: Uncertain significance (2). Last evaluated 2025-08-06.

Allele frequency attached by ClinVar (database versions not stated): ExAC 0.00002; TOPMed 0.00004; gnomAD 0.00001; gnomAD exomes 0.00002.
gnomAD v4.1: 11 of 1,614,056 alleles (0.00068%); highest among the groups gnomAD compares: Admixed American, 0.018%; no homozygotes.

Submissions (2):

Ambry Genetics
Classification: Uncertain significance. Last evaluated: 2025-08-06. Review status: criteria provided, single submitter. Criteria: Ambry Variant Classification Scheme 2023. Collection method: clinical testing. Allele origin: germline.

Labcorp Genetics (formerly Invitae), Labcorp
Classification: Uncertain significance. Last evaluated: 2023-07-29. Review status: criteria provided, single submitter. Criteria: Invitae Variant Classification Sherloc (09022015). Collection method: clinical testing. Allele origin: germline.
Comment: This sequence change replaces glutamic acid, which is acidic and polar, with glycine, which is neutral and non-polar, at codon 412 of the NUP62 protein (p.Glu412Gly). This variant is present in population databases (rs775526160, gnomAD 0.03%). This variant has not been reported in the literature in individuals affected with NUP62-related conditions. An algorithm developed to predict the effect of missense changes on protein structure and function (PolyPhen-2) suggests that this variant¬¨‚Ä†is likely to be tolerated. In summary, the available evidence is currently insufficient to determine the role of this variant in disease. Therefore, it has been classified as a Variant of Uncertain Significance.